The following is an entry in ClinVar:

ClinVar aggregate classification (germline): Benign (0 of 4 stars; one submission).

Conditions:
MEI1-related disorder. Also called: MEI1-related condition.

Allele frequency attached by ClinVar (database versions not stated): gnomAD exomes 0.03901; ExAC 0.07163; gnomAD 0.16510; ESP Exome Variant Server 0.16637; TOPMed 0.18538; 1000 Genomes Project 0.18830; 1000 Genomes Project 30x 0.19597.
gnomAD v4.1: 83,161 of 1,613,640 alleles (5.2%); highest among the groups gnomAD compares: African/African-American, 51%; 10,843 homozygotes.

Submission:

PreventionGenetics, part of Exact Sciences
Classification: Benign for MEI1-related condition. Last evaluated: 2019-11-06. Review status: no assertion criteria provided. Collection method: clinical testing. Allele origin: germline.
Comment: This variant is classified as benign based on ACMG/AMP sequence variant interpretation guidelines (Richards et al. 2015 PMID: 25741868, with internal and published modifications).

NM_152513.4(MEI1):c.3660C>T (p.Phe1220=)

Gene: MEI1 (meiotic double-stranded break formation protein 1; plus strand). Cytogenetic location: 22q13.2.
Variant type: single nucleotide variant.
Coding change: c.3660C>T on transcript NM_152513.4 (MANE Select); coding-DNA position 3660, C replaced by T.
Protein change: p.Phe1220=; no amino-acid change (phenylalanine 1220 retained).
Molecular consequence: synonymous variant.
Genome position (GRCh38, 1-based): chr22:41,795,536, C>T. VCF-style: chr22-41795536-C-T. GRCh37 (hg19) VCF-style: chr22-42191540-C-T.
Identifiers: ClinVar variation 3055512 (VCV003055512.2), dbSNP rs6002488, ClinGen allele CA10260941.